The following is an entry in ClinVar:

NM_000368.5(TSC1):c.1756T>C (p.Cys586Arg)

Gene: TSC1 (TSC complex subunit 1; minus strand). Cytogenetic location: 9q34.13.
Variant type: single nucleotide variant.
Coding change: c.1756T>C on transcript NM_000368.5 (MANE Select); coding-DNA position 1756, T replaced by C.
Protein change: p.Cys586Arg; replaces cysteine 586 with arginine.
Molecular consequence: missense variant.
Genome position (GRCh38, 1-based): chr9:132,905,822, A>G on the plus strand (T>C on the coding strand, the complement: TSC1 is on the minus strand). VCF-style: chr9-132905822-A-G. GRCh37 (hg19) VCF-style: chr9-135781209-A-G.
Other names: c.1753T>C, p.Cys585Arg (NM_001162426.2); c.1603T>C, p.Cys535Arg (NM_001162427.2); c.1393T>C, p.Cys465Arg (NM_001362177.2); short protein forms C535R, C465R, C585R, C586R.
Identifiers: ClinVar variation 947557 (VCV000947557.10), dbSNP rs760356610, ClinGen allele CA029644.
Genomic context (GRCh38, chr9:132,905,822, plus strand): 5'-GATCATACGGGGGAGGCTGCCCGCTTCCAAAGCCCACTCTCGTCGGAGGTGGAATTTTAC[A>G]AGGACTGGGAGTGAAGATACTGGTCTCCAAAGAAGTCTGGCATTCCCTGTCTCCCGCAGG-3'
Protein context (NP_000359.1, residues 576-596): LETSIFTPSP[Cys586Arg]KIPPPTRVGF

ClinVar aggregate classification (germline): Conflicting classifications of pathogenicity. Review status: criteria provided, conflicting classifications (1 of 4 stars). 2 submissions from 2 submitters: Uncertain significance (1); Likely benign (1). Last evaluated 2025-08-18.

Conditions:
Hereditary cancer-predisposing syndrome. Also called: Neoplastic Syndromes, Hereditary; Hereditary neoplastic syndrome; Hereditary Cancer Syndrome; Tumor predisposition. Identifiers: Orphanet 140162, MedGen C0027672, MeSH D009386, MONDO:0015356.
Tuberous sclerosis 1 (TSC1). Identifiers: Orphanet 805, MedGen C1854465, MONDO:0008612, OMIM 191100.

Allele frequency attached by ClinVar (database versions not stated): gnomAD exomes below 0.00001; ExAC 0.00001.
gnomAD v4.1: 5 of 1,614,232 alleles (0.00031%); highest among the groups gnomAD compares: Non-Finnish European, 0.00034%; no homozygotes.

Submissions (2):

Labcorp Genetics (formerly Invitae), Labcorp
Classification: Likely benign for Tuberous sclerosis 1. Last evaluated: 2025-08-18. Review status: criteria provided, single submitter. Criteria: Invitae Variant Classification Sherloc (09022015). Collection method: clinical testing. Allele origin: germline.

Ambry Genetics
Classification: Uncertain significance for Hereditary cancer-predisposing syndrome. Last evaluated: 2024-01-14. Review status: criteria provided, single submitter. Criteria: Ambry Variant Classification Scheme 2023. Collection method: clinical testing. Allele origin: germline.
Comment: The p.C586R variant (also known as c.1756T>C), located in coding exon 13 of the TSC1 gene, results from a T to C substitution at nucleotide position 1756. The cysteine at codon 586 is replaced by arginine, an amino acid with highly dissimilar properties. This amino acid position is conserved. In addition, the in silico prediction for this alteration is inconclusive. Since supporting evidence is limited at this time, the clinical significance of this alteration remains unclear.